The following is an entry in ClinVar:

NM_000284.4(PDHA1):c.1124_1125dup (p.Glu376fs)

Gene: PDHA1 (pyruvate dehydrogenase E1 subunit alpha 1; plus strand). Cytogenetic location: Xp22.12.
Variant type: Duplication.
Coding change: c.1124_1125dup on transcript NM_000284.4 (MANE Select); coding-DNA positions 1124 to 1125, 2 bases duplicated (TT; older notation c.1124_1125dupTT).
Protein change: p.Glu376fs; shifts the reading frame from glutamic acid 376.
Molecular consequence: frameshift variant.
Genome position (GRCh38, 1-based): chrX:19,359,604-19,359,605, TT duplicated; duplicating any 2 consecutive bases within chrX:19,359,602-19,359,605 gives the same sequence; the c. name uses the placement nearest the transcript's 3' end. VCF-style (leftmost placement, unchanged base first): chrX-19359601-C-CTT. GRCh37 (hg19) VCF-style: chrX-19377719-C-CTT.
Other names: c.1238_1239dup, p.Glu414fs (NM_001173454.2); c.1145_1146dup, p.Glu383fs (NM_001173455.2); c.1031_1032dup, p.Glu345fs (NM_001173456.2); short protein forms E345fs, E376fs, E383fs, E414fs.
Identifiers: ClinVar variation 4070462 (VCV004070462.1).

ClinVar aggregate classification (germline): Pathogenic (0 of 4 stars; one submission).

Conditions:
Pyruvate dehydrogenase E1-alpha deficiency (PDHAD). Also called: ATAXIA, INTERMITTENT, WITH PYRUVATE DEHYDROGENASE DEFICIENCY; ATAXIA WITH LACTIC ACIDOSIS I; ATAXIA, INTERMITTENT, WITH ABNORMAL PYRUVATE METABOLISM; Ataxia, intermittent, with pyruvate dehydrogenase, or decarboxylase, deficiency. Identifiers: Orphanet 79243, MedGen C1839413, MONDO:0010717, OMIM 312170.

Submission:

PDHA1 Study Group, University Children’s Hospital, Paracelsus Medical University
Classification: Pathogenic for Pyruvate dehydrogenase E1-alpha deficiency. Last evaluated: 2024-10-15. Review status: no assertion criteria provided. Collection method: research. Allele origin: germline. Affected: yes. Observed: 1 variant allele.
Comment: The NM_000284.3:c.1124_1125dup (p.Glu376LeufsTer49) change is a frameshift variant in PDHA1 gene. This variant is predicted to escape nonsense-mediated decay (NMD). The variant has been reported in 1 published case (PMIDs: 8504306). Last literature search: July 12, 2024. This variant is absent or extremely rare in population-based cohorts in the Genome Aggregation Database (gnomAD). Individuals harboring this variant presented with clinical features compatible with PDHA1-related PDHc deficiency. In summary, this variant meets criteria to be classified as pathogenic (P) for PDHA1-related PDHc deficiency based on the ACMG/AMP criteria applied: PS2, PM1, PM2, PM4 (last assessment October 15, 2024).

Literature cited by the submitters: PubMed 8504306; DOI 10.1093/brain/awaf430.